The following is an entry in ClinVar:

ClinVar aggregate classification (germline): Uncertain significance (1 of 4 stars; one submission).

Submission:

Labcorp Genetics (formerly Invitae), Labcorp
Classification: Uncertain significance. Last evaluated: 2025-09-15. Review status: criteria provided, single submitter. Criteria: Invitae Variant Classification Sherloc (09022015). Collection method: clinical testing. Allele origin: germline.
Comment: This sequence change replaces arginine, which is basic and polar, with glutamine, which is neutral and polar, at codon 518 of the COL9A2 protein (p.Arg518Gln). This variant is present in population databases (rs200949058, gnomAD 0.003%). This variant has not been reported in the literature in individuals affected with COL9A2-related conditions. ClinVar contains an entry for this variant (Variation ID: 1378369). Invitae Evidence Modeling of protein sequence and biophysical properties (such as structural, functional, and spatial information, amino acid conservation, physicochemical variation, residue mobility, and thermodynamic stability) indicates that this missense variant is not expected to disrupt COL9A2 protein function with a negative predictive value of 95%. In summary, the available evidence is currently insufficient to determine the role of this variant in disease. Therefore, it has been classified as a Variant of Uncertain Significance.

NM_001852.4(COL9A2):c.1553G>A (p.Arg518Gln)

Gene: COL9A2 (collagen type IX alpha 2 chain; minus strand). Cytogenetic location: 1p34.2.
Variant type: single nucleotide variant.
Coding change: c.1553G>A on transcript NM_001852.4 (MANE Select); coding-DNA position 1553, G replaced by A.
Protein change: p.Arg518Gln; replaces arginine 518 with glutamine.
Molecular consequence: missense variant.
Genome position (GRCh38, 1-based): chr1:40,303,181, C>T on the plus strand (G>A on the coding strand, the complement: COL9A2 is on the minus strand). VCF-style: chr1-40303181-C-T. GRCh37 (hg19) VCF-style: chr1-40768853-C-T.
Other names: short protein forms R518Q.
Identifiers: ClinVar variation 1378369 (VCV001378369.8), dbSNP rs200949058, ClinGen allele CA791395.